The following is an entry in ClinVar:

NM_006946.4(SPTBN2):c.5644A>G (p.Met1882Val)

Gene: SPTBN2 (spectrin beta, non-erythrocytic 2; minus strand). Cytogenetic location: 11q13.2.
Variant type: single nucleotide variant.
Coding change: c.5644A>G on transcript NM_006946.4 (MANE Select); coding-DNA position 5644, A replaced by G.
Protein change: p.Met1882Val; replaces methionine 1882 with valine.
Molecular consequence: missense variant.
Genome position (GRCh38, 1-based): chr11:66,690,205, T>C on the plus strand (A>G on the coding strand, the complement: SPTBN2 is on the minus strand). VCF-style: chr11-66690205-T-C. GRCh37 (hg19) VCF-style: chr11-66457676-T-C.
Other names: short protein forms M1882V.
Identifiers: ClinVar variation 1405081 (VCV001405081.8), dbSNP rs2135330577, ClinGen allele CA381464189.

ClinVar aggregate classification (germline): Uncertain significance (1 of 4 stars; one submission).

Allele frequency attached by ClinVar (database versions not stated): gnomAD exomes below 0.00001.

Submission:

Labcorp Genetics (formerly Invitae), Labcorp
Classification: Uncertain significance. Last evaluated: 2021-07-12. Review status: criteria provided, single submitter. Criteria: Invitae Variant Classification Sherloc (09022015). Collection method: clinical testing. Allele origin: germline.
Comment: This variant has not been reported in the literature in individuals affected with SPTBN2-related conditions. This variant is not present in population databases (ExAC no frequency). This sequence change replaces methionine with valine at codon 1882 of the SPTBN2 protein (p.Met1882Val). The methionine residue is moderately conserved and there is a small physicochemical difference between methionine and valine. Advanced modeling of protein sequence and biophysical properties (such as structural, functional, and spatial information, amino acid conservation, physicochemical variation, residue mobility, and thermodynamic stability) performed at Invitae indicates that this missense variant is not expected to disrupt SPTBN2 protein function. In summary, the available evidence is currently insufficient to determine the role of this variant in disease. Therefore, it has been classified as a Variant of Uncertain Significance.